The following is an entry in ClinVar:

ClinVar aggregate classification (germline): Uncertain significance. Review status: criteria provided, multiple submitters, no conflicts (2 of 4 stars). 2 submissions from 2 submitters: Uncertain significance (2). Last evaluated 2025-03-09.

Conditions:
Charcot-Marie-Tooth disease type 1C. Also called: CHARCOT-MARIE-TOOTH DISEASE, DEMYELINATING, TYPE 1C; CMT, SLOW NERVE CONDUCTION TYPE C; HMSN IC; CHARCOT-MARIE-TOOTH NEUROPATHY, TYPE 1C; NEUROPATHY, HEREDITARY MOTOR AND SENSORY, TYPE IC; Charcot-Marie-Tooth disease, type IC. Identifiers: Orphanet 101083, MedGen C0270913, MONDO:0010995, OMIM 601098.

Allele frequency attached by ClinVar (database versions not stated): gnomAD 0.00001; ExAC 0.00002; gnomAD exomes 0.00002; TOPMed 0.00002.
gnomAD v4.1: 17 of 1,614,022 alleles (0.0011%); highest among the groups gnomAD compares: Admixed American, 0.0017%; no homozygotes.

Submissions (2):

Labcorp Genetics (formerly Invitae), Labcorp
Classification: Uncertain significance for Charcot-Marie-Tooth disease type 1C. Last evaluated: 2025-03-09. Review status: criteria provided, single submitter. Criteria: Invitae Variant Classification Sherloc (09022015). Collection method: clinical testing. Allele origin: germline.
Comment: This sequence change replaces proline, which is neutral and non-polar, with leucine, which is neutral and non-polar, at codon 84 of the LITAF protein (p.Pro84Leu). This variant is present in population databases (rs761746674, gnomAD 0.003%). This variant has not been reported in the literature in individuals affected with LITAF-related conditions. ClinVar contains an entry for this variant (Variation ID: 245794). An algorithm developed to predict the effect of missense changes on protein structure and function (PolyPhen-2) suggests that this variant is likely to be disruptive. In summary, the available evidence is currently insufficient to determine the role of this variant in disease. Therefore, it has been classified as a Variant of Uncertain Significance.

GeneDx
Classification: Uncertain significance. Last evaluated: 2015-06-10. Review status: criteria provided, single submitter. Criteria: GeneDx Variant Classification (06012015). Collection method: clinical testing. Allele origin: germline. Affected: yes.
Comment: The P84L variant has not been published as pathogenic, nor has it been reported as a benign polymorphism to our knowledge. It was not observed in approximately 6,500 individuals of European and African American ancestry in the NHLBI Exome Sequencing Project, indicating it is not a common benign variant in these populations. The P84L variant is a semi-conservative amino acid substitution, which may impact secondary protein structure as these residues differ in some properties. This substitution occurs at a position that is conserved across species. However, in silico analysis is inconsistent in its predictions as to whether or not the P84L variant is damaging to the protein structure/function. Therefore, based on the currently available information, it is unclear whether this variant is a pathogenic or a rare benign variant.

NM_001136472.2(LITAF):c.251C>T (p.Pro84Leu)

Gene: LITAF (lipopolysaccharide induced TNF factor; minus strand). Cytogenetic location: 16p13.13.
Variant type: single nucleotide variant.
Coding change: c.251C>T on transcript NM_001136472.2 (MANE Select); coding-DNA position 251, C replaced by T.
Protein change: p.Pro84Leu; replaces proline 84 with leucine.
Molecular consequence: missense variant. On other transcripts: non-coding transcript variant (1).
Genome position (GRCh38, 1-based): chr16:11,553,659, G>A on the plus strand (C>T on the coding strand, the complement: LITAF is on the minus strand). VCF-style: chr16-11553659-G-A. GRCh37 (hg19) VCF-style: chr16-11647515-G-A.
Other names: c.251C>T, p.Pro84Leu (NM_001136473.1, NM_004862.4); short protein forms P84L.
Identifiers: ClinVar variation 245794 (VCV000245794.9), dbSNP rs761746674, ClinGen allele CA7904101.